The following is an entry in ClinVar:

NM_004168.4(SDHA):c.1568C>T (p.Ala523Val)

Gene: SDHA (succinate dehydrogenase complex flavoprotein subunit A; plus strand). Cytogenetic location: 5p15.33.
Variant type: single nucleotide variant.
Coding change: c.1568C>T on transcript NM_004168.4 (MANE Select); coding-DNA position 1568, C replaced by T.
Protein change: p.Ala523Val; replaces alanine 523 with valine.
Molecular consequence: missense variant. On other transcripts: intron variant (1).
Genome position (GRCh38, 1-based): chr5:251,008, C>T. VCF-style: chr5-251008-C-T. GRCh37 (hg19) VCF-style: chr5-251123-C-T.
Other names: c.1424C>T, p.Ala475Val (NM_001294332.2); c.1552-3385C>T (NM_001330758.2); short protein forms A475V, A523V.
Identifiers: ClinVar variation 1415066 (VCV001415066.10), dbSNP rs1736785630, ClinGen allele CA358998446.

ClinVar aggregate classification (germline): Uncertain significance. Review status: criteria provided, multiple submitters, no conflicts (2 of 4 stars). 2 submissions from 2 submitters: Uncertain significance (2). Last evaluated 2022-03-02.

Conditions:
Mitochondrial complex II deficiency, nuclear type 1. Also called: SUCCINATE CoQ REDUCTASE DEFICIENCY. Identifiers: Orphanet 3208, MedGen C5700310, MONDO:0100294, OMIM 252011.
Pheochromocytoma/paraganglioma syndrome 5. Also called: Paragangliomas 5; SDHA-Related Hereditary Paraganglioma-Pheochromocytoma Syndrome. Identifiers: Orphanet 29072, MedGen C3279992, MONDO:0013602, OMIM 614165.
Hereditary cancer-predisposing syndrome. Also called: Tumor predisposition; Hereditary Cancer Syndrome; Hereditary neoplastic syndrome; Neoplastic Syndromes, Hereditary. Identifiers: Orphanet 140162, MedGen C0027672, MeSH D009386, MONDO:0015356.

gnomAD v4.1: 3 of 1,611,962 alleles (0.00019%); highest among the groups gnomAD compares: Middle Eastern, 0.023%; no homozygotes.

Submissions (2):

Ambry Genetics
Classification: Uncertain significance for Hereditary cancer-predisposing syndrome. Last evaluated: 2022-03-02. Review status: criteria provided, single submitter. Criteria: Ambry Variant Classification Scheme 2023. Collection method: clinical testing. Allele origin: germline.
Comment: The p.A523V variant (also known as c.1568C>T), located in coding exon 12 of the SDHA gene, results from a C to T substitution at nucleotide position 1568. The alanine at codon 523 is replaced by valine, an amino acid with similar properties. This amino acid position is conserved. In addition, the in silico prediction for this alteration is inconclusive. Since supporting evidence is limited at this time, the clinical significance of this alteration remains unclear.

Labcorp Genetics (formerly Invitae), Labcorp
Classification: Uncertain significance for Pheochromocytoma/paraganglioma syndrome 5; Mitochondrial complex II deficiency, nuclear type 1. Last evaluated: 2021-01-31. Review status: criteria provided, single submitter. Criteria: Invitae Variant Classification Sherloc (09022015). Collection method: clinical testing. Allele origin: germline.
Comment: In summary, the available evidence is currently insufficient to determine the role of this variant in disease. Therefore, it has been classified as a Variant of Uncertain Significance. This sequence change replaces alanine with valine at codon 523 of the SDHA protein (p.Ala523Val). The alanine residue is highly conserved and there is a small physicochemical difference between alanine and valine. Algorithms developed to predict the effect of missense changes on protein structure and function (SIFT, PolyPhen-2, Align-GVGD) all suggest that this variant is likely to be tolerated, but these predictions have not been confirmed by published functional studies and their clinical significance is uncertain. This variant has not been reported in the literature in individuals with SDHA-related conditions. This variant is not present in population databases (ExAC no frequency).